The following is an entry in ClinVar:

ClinVar aggregate classification (germline): Uncertain significance (1 of 4 stars; one submission).

Allele frequency attached by ClinVar (database versions not stated): gnomAD exomes 0.00001 and 0.00002; TOPMed 0.00001; ExAC 0.00002; gnomAD 0.00002.
gnomAD v4.1: 21 of 1,614,020 alleles (0.0013%); highest among the groups gnomAD compares: South Asian, 0.0033%; no homozygotes.

Submission:

Labcorp Genetics (formerly Invitae), Labcorp
Classification: Uncertain significance. Last evaluated: 2025-11-03. Review status: criteria provided, single submitter. Criteria: Invitae Variant Classification Sherloc (09022015). Collection method: clinical testing. Allele origin: germline.
Comment: This sequence change replaces isoleucine, which is neutral and non-polar, with threonine, which is neutral and polar, at codon 281 of the CFB protein (p.Ile281Thr). This variant is present in population databases (rs745324553, gnomAD 0.008%). This variant has not been reported in the literature in individuals affected with CFB-related conditions. ClinVar contains an entry for this variant (Variation ID: 1482867). Invitae Evidence Modeling of protein sequence and biophysical properties (such as structural, functional, and spatial information, amino acid conservation, physicochemical variation, residue mobility, and thermodynamic stability) indicates that this missense variant is expected to disrupt CFB protein function with a positive predictive value of 80%. In summary, the available evidence is currently insufficient to determine the role of this variant in disease. Therefore, it has been classified as a Variant of Uncertain Significance.

NM_001710.6(CFB):c.842T>C (p.Ile281Thr)

Gene: CFB (complement factor B; plus strand). Cytogenetic location: 6p21.33.
Variant type: single nucleotide variant.
Coding change: c.842T>C on transcript NM_001710.6 (MANE Select); coding-DNA position 842, T replaced by C.
Protein change: p.Ile281Thr; replaces isoleucine 281 with threonine.
Molecular consequence: missense variant.
Genome position (GRCh38, 1-based): chr6:31,948,026, T>C. VCF-style: chr6-31948026-T-C. GRCh37 (hg19) VCF-style: chr6-31915803-T-C.
Other names: short protein forms I281T.
Identifiers: ClinVar variation 1482867 (VCV001482867.8), dbSNP rs745324553, ClinGen allele CA3728167.